The following is an entry in ClinVar:

NM_001083961.2(WDR62):c.3514+43C>T

Gene: WDR62 (WD repeat domain 62; plus strand). Cytogenetic location: 19q13.12.
Variant type: single nucleotide variant.
Coding change: c.3514+43C>T on transcript NM_001083961.2 (MANE Select); 43 bases into the intron after coding-DNA position 3514, C replaced by T.
Molecular consequence: intron variant.
Genome position (GRCh38, 1-based): chr19:36,103,250, C>T. VCF-style: chr19-36103250-C-T. GRCh37 (hg19) VCF-style: chr19-36594152-C-T.
Other names: c.3499+43C>T (NM_001411145.1, NM_173636.5); c.3163+43C>T (NM_001411147.1); c.3265+43C>T (NM_001411146.1).
Identifiers: ClinVar variation 3775773 (VCV003775773.1).

ClinVar aggregate classification (germline): Uncertain significance (1 of 4 stars; one submission).

Conditions:
Microcephaly 2, primary, autosomal recessive, with or without cortical malformations. Also called: WDR62 Primary Microcephaly; MICROCEPHALY 2, PRIMARY, AUTOSOMAL RECESSIVE, WITH CORTICAL MALFORMATIONS. Identifiers: Orphanet 2512, MedGen C1858535, MONDO:0011435, OMIM 604317.

gnomAD v4.1: 85 of 1,611,872 alleles (0.0053%); highest among the groups gnomAD compares: East Asian, 0.036%; no homozygotes.

Submission:

3billion
Classification: Uncertain significance for Microcephaly 2, primary, autosomal recessive, with or without cortical malformations. Last evaluated: 2023-11-07. Review status: criteria provided, single submitter. Criteria: ACMG Guidelines, 2015. Collection method: clinical testing. Allele origin: germline. Affected: yes.
Comment: The variant is not observed in the gnomAD v2.1.1 dataset. Predicted Consequence/Location: Canonical splice site: predicted to alter splicing and result in a loss or disruption of normal protein function. Multiple pathogenic loss-of-function variants are reported downstream of the variant. In silico tools predict the variant to alter splicing and produce an abnormal transcript [Splice AI: 0.99 (spliceogenicity >=0.2, non-spliceogenicity <0.1)]. Therefore, this variant is classified as Likely pathogenic according to the recommendation of ACMG/AMP guideline.